The following is an entry in ClinVar:

NM_000138.5(FBN1):c.2950G>A (p.Val984Ile)

Gene: FBN1 (fibrillin 1; minus strand). Cytogenetic location: 15q21.1.
Variant type: single nucleotide variant.
Coding change: c.2950G>A on transcript NM_000138.5 (MANE Select); coding-DNA position 2950, G replaced by A.
Protein change: p.Val984Ile; replaces valine 984 with isoleucine.
Molecular consequence: missense variant.
Genome position (GRCh38, 1-based): chr15:48,489,983, C>T on the plus strand (G>A on the coding strand, the complement: FBN1 is on the minus strand). VCF-style: chr15-48489983-C-T. GRCh37 (hg19) VCF-style: chr15-48782180-C-T.
Other names: short protein forms V984I.
Identifiers: ClinVar variation 457184 (VCV000457184.70), dbSNP rs747713929, ClinGen allele CA049472.
Genomic context (GRCh38, chr15:48,489,983, plus strand): 5'-ACTCAGGAGTATTTCTCATGGGACACTCCTCGCATTCCTCAGTACCCCAGGCTGCCCCGA[C>T]GGAGCAGCAGCAGGCGTCCATGCGGTGGCGGCCAGCAATAGGCAGGGTGCACTCCTCGTC-3'
Protein context (NP_000129.3, residues 974-994): RHRMDACCCS[Val984Ile]GAAWGTEECE

ClinVar aggregate classification (germline): Conflicting classifications of pathogenicity. Review status: criteria provided, conflicting classifications (1 of 4 stars). 17 submissions from 11 submitters: Uncertain significance (9); Likely benign (8). Last evaluated 2026-10-19.

Conditions:
Ectopia lentis 1, isolated, autosomal dominant (ECTOL1). Identifiers: Orphanet 1885, MedGen C3541518, MONDO:0007514, OMIM 129600.
Marfan syndrome (MFS). Also called: MARFAN SYNDROME, TYPE I; Marfan's syndrome; Marfan syndrome, classic; Marfan syndrome type 1; FBN1-Related Marfan Syndrome. Identifiers: Orphanet 284963, Orphanet 558, MedGen C0024796, MONDO:0007947, OMIM 154700.
Geleophysic dysplasia. Identifiers: Orphanet 2623, MedGen C3489726, MONDO:0000127.
Weill-Marchesani syndrome. Also called: WM Syndrome; Mesodermal dysmorphodystrophy congenital. Identifiers: Orphanet 3449, MedGen C0265313, MONDO:0018096.
Acromicric dysplasia (ACMICD). Also called: Acromicric skeletal dysplasia. Identifiers: Orphanet 969, MedGen C0265287, MONDO:0007055, OMIM 102370.
Familial thoracic aortic aneurysm and aortic dissection (TAAD). Also called: Thoracic aortic aneurysms and dissections. Identifiers: Orphanet 91387, MedGen C4707243, MONDO:0019625.
Stiff skin syndrome (SSKS). Identifiers: Orphanet 2833, MedGen C1861456, MONDO:0008492, OMIM 184900.

Allele frequency attached by ClinVar (database versions not stated): gnomAD exomes 0.00001 and 0.00002; TOPMed 0.00002; ExAC 0.00005.
gnomAD v4.1: 24 of 1,614,006 alleles (0.0015%); highest among the groups gnomAD compares: East Asian, 0.0022%; no homozygotes.

Submissions (17):

GeneDx
Classification: Uncertain significance. Last evaluated: 2026-10-19. Review status: criteria provided, single submitter. Criteria: GeneDx Variant Classification Process June 2021. Collection method: clinical testing. Allele origin: germline.
Comment: In silico analysis suggests that this missense variant does not alter protein structure/function; Does not affect a cysteine or calcium-binding residue within an EGF-like domain or a TGF-binding protein domain of the FBN1 gene; cysteine substitutions in the EGF-like domains represent the majority of pathogenic missense changes associated with FBN1-related disorders (PMID: 12938084); This variant is associated with the following publications: (PMID: 10694921, 12203992, 23590259, 27146836, 12938084)

Labcorp Genetics (formerly Invitae), Labcorp
Classification: Likely benign for Marfan syndrome; Familial thoracic aortic aneurysm and aortic dissection. Last evaluated: 2025-10-06. Review status: criteria provided, single submitter. Criteria: Invitae Variant Classification Sherloc (09022015). Collection method: clinical testing. Allele origin: germline.

Laboratory of Genetics, Children's Clinical University Hospital Latvia
Classification: Likely benign. Last evaluated: 2025-02-16. Review status: criteria provided, single submitter. Criteria: ACMG Guidelines, 2015. Collection method: clinical testing. Allele origin: germline. Affected: yes.

Ambry Genetics
Classification: Uncertain significance for Familial thoracic aortic aneurysm and aortic dissection. Last evaluated: 2024-12-16. Review status: criteria provided, single submitter. Criteria: Ambry Variant Classification Scheme 2023. Collection method: clinical testing. Allele origin: germline.
Comment: The p.V984I variant (also known as c.2950G>A), located in coding exon 24 of the FBN1 gene, results from a G to A substitution at nucleotide position 2950. The valine at codon 984 is replaced by isoleucine, an amino acid with highly similar properties. This variant was reported in individual(s) with features consistent with thoracic aortic aneurysm and dissection (Grau U et al. Hum Mutat, 1998;12:137; Poninska JK et al. J Transl Med, 2016 May;14:115). This amino acid position is highly conserved in available vertebrate species. In addition, this alteration is predicted to be deleterious by in silico analysis. Based on the available evidence, the clinical significance of this variant remains unclear.

Women's Health and Genetics/Laboratory Corporation of America, LabCorp
Classification: Uncertain significance. Last evaluated: 2024-11-25. Review status: criteria provided, single submitter. Criteria: LabCorp Variant Classification Summary - May 2015. Collection method: clinical testing. Allele origin: germline.
Comment: Variant summary: FBN1 c.2950G>A (p.Val984Ile) results in a conservative amino acid change located in the TGF-beta binding (TB) domain (IPR017878) of the encoded protein sequence. Three of five in-silico tools predict a damaging effect of the variant on protein function. The variant allele was found at a frequency of 2e-05 in 251474 control chromosomes. The available data on variant occurrences in the general population are insufficient to allow any conclusion about variant significance. c.2950G>A has been reported in the literature in individuals affected with Marfan Syndrome or hypertrophic cardiomyopathy (e.g. Grau_1998, Fokstuen_2014, Poninska_2016, Collod-Beroud_1997). These data do not allow any conclusion about variant significance. To our knowledge, no experimental evidence demonstrating an impact on protein function has been reported. The following publications have been ascertained in the context of this evaluation (PMID: 9016526, 23590259, 10694921, 27146836). ClinVar contains an entry for this variant (Variation ID: 457184). Based on the evidence outlined above, the variant was classified as uncertain significance.

All of Us Research Program, National Institutes of Health
Classification: Uncertain significance for Marfan syndrome. Last evaluated: 2024-07-29. Review status: criteria provided, single submitter. Criteria: ACMG Guidelines, 2015. Collection method: clinical testing. Allele origin: germline. Inheritance: Autosomal dominant inheritance. Observed: 7 variant alleles, 7 heterozygotes.
Comment: This missense variant replaces valine with isoleucine at codon 984 of the FBN1 protein. Computational prediction is inconclusive regarding the impact of this variant on protein structure and function (internally defined REVEL score threshold 0.5 < inconclusive < 0.7, PMID: 27666373). To our knowledge, functional studies have not been performed for this variant. This variant has been reported in an individual affected with classic Marfan syndrome with cardiovascular manifestations (PMID: 10694921), in an individual affected with thoracic aortic aneurysms and dissections associated with Marfan syndrome (PMID: 27146836), and in an individual affected with hypertrophic cardiomyopathy (PMID: 23590259). This variant was also reported in one case non-obstructive HCM (PMID: 23590259). This variant has been identified in 6/282854 chromosomes in the general population by the Genome Aggregation Database (gnomAD). The available evidence is insufficient to determine the role of this variant in disease conclusively. Therefore, this variant is classified as a Variant of Uncertain Significance.

This study involves interpretation of variants in research participants for the purpose of population health screening. Participant phenotype was not available at the time of variant classification. Additional details can be found in publication PMID: 35346344, PMCID: PMC8962531

Color Diagnostics, LLC DBA Color Health
Classification: Uncertain significance for Familial thoracic aortic aneurysm and aortic dissection. Last evaluated: 2024-05-13. Review status: criteria provided, single submitter. Criteria: ACMG Guidelines, 2015. Collection method: clinical testing. Allele origin: germline.
Comment: This missense variant replaces valine with isoleucine at codon 984 of the FBN1 protein. Computational prediction tools indicate that this variant's impact on protein structure and function is inconclusive. To our knowledge, functional studies have not been performed for this variant. This variant has been reported in one individual affected with classic Marfan syndrome with cardiovascular manifestations (PMID: 10694921) and in one individual affected with hypertrophic cardiomyopathy (PMID: 23590259). This variant has also been reported in one family, with one individual affected with thoracic aortic aneurysm and dissection; this variant did not segregate with disease and was identified in three unaffected family members (PMID: 27146836). This variant has been identified in 6/282854 chromosomes in the general population by the Genome Aggregation Database (gnomAD). The available evidence is insufficient to determine the role of this variant in disease conclusively. Therefore, this variant is classified as a Variant of Uncertain Significance.

Blueprint Genetics
Classification: Uncertain significance. Last evaluated: 2023-04-14. Review status: criteria provided, single submitter. Criteria: ACMG Guidelines, 2015. Collection method: clinical testing. Allele origin: germline.

Revvity Omics, Revvity
Classification: Uncertain significance. Last evaluated: 2022-03-10. Review status: criteria provided, single submitter. Criteria: ACMG Guidelines, 2015. Collection method: clinical testing. Allele origin: germline.

CeGaT Center for Human Genetics Tuebingen
Classification: Likely benign. Last evaluated: 2020-08-01. Review status: criteria provided, single submitter. Criteria: CeGaT Center For Human Genetics Tuebingen Variant Classification Criteria Version 2. Collection method: clinical testing. Allele origin: germline. Affected: yes. Observed: 1 variant allele.

Illumina Laboratory Services, Illumina
Classification: Likely benign for Geleophysic dysplasia. Last evaluated: 2017-04-27. Review status: criteria provided, single submitter. Criteria: ICSL Variant Classification Criteria 13 December 2019. Collection method: clinical testing. Allele origin: germline.
Comment: This variant was observed as part of a predisposition screen in an ostensibly healthy population. A literature search was performed for the gene, cDNA change, and amino acid change (where applicable). No publications were found based on this search. Allele frequency data from public databases allowed determination this variant is unlikely to cause disease. Therefore, this variant is classified as likely benign.

Illumina Laboratory Services, Illumina
Classification: Uncertain significance for Marfan syndrome. Last evaluated: 2017-04-27. Review status: criteria provided, single submitter. Criteria: ICSL Variant Classification Criteria 13 December 2019. Collection method: clinical testing. Allele origin: germline.
Comment: This variant was observed as part of a predisposition screen in an ostensibly healthy population. A literature search was performed for the gene, cDNA change, and amino acid change (where applicable). Publications were found based on this search. However, the evidence from the literature, in combination with allele frequency data from public databases where available, was not sufficient to rule this variant in or out of causing disease. Therefore, this variant is classified as a variant of unknown significance.

Illumina Laboratory Services, Illumina
Classification: Likely benign for Stiff skin syndrome. Last evaluated: 2017-04-27. Review status: criteria provided, single submitter. Criteria: ICSL Variant Classification Criteria 13 December 2019. Collection method: clinical testing. Allele origin: germline.
Comment: the same text as in the submission from Illumina Laboratory Services, Illumina above.

Illumina Laboratory Services, Illumina
Classification: Uncertain significance for Familial thoracic aortic aneurysm and aortic dissection. Last evaluated: 2017-04-27. Review status: criteria provided, single submitter. Criteria: ICSL Variant Classification Criteria 13 December 2019. Collection method: clinical testing. Allele origin: germline.

Illumina Laboratory Services, Illumina
Classification: Likely benign for Ectopia lentis 1, isolated, autosomal dominant. Last evaluated: 2017-04-27. Review status: criteria provided, single submitter. Criteria: ICSL Variant Classification Criteria 13 December 2019. Collection method: clinical testing. Allele origin: germline.
Comment: the same text as in the submission from Illumina Laboratory Services, Illumina above.

Illumina Laboratory Services, Illumina
Classification: Likely benign for Acromicric dysplasia. Last evaluated: 2017-04-27. Review status: criteria provided, single submitter. Criteria: ICSL Variant Classification Criteria 13 December 2019. Collection method: clinical testing. Allele origin: germline.
Comment: the same text as in the submission from Illumina Laboratory Services, Illumina above.

Illumina Laboratory Services, Illumina
Classification: Likely benign for Weill-Marchesani syndrome. Last evaluated: 2017-04-27. Review status: criteria provided, single submitter. Criteria: ICSL Variant Classification Criteria 13 December 2019. Collection method: clinical testing. Allele origin: germline.
Comment: the same text as in the submission from Illumina Laboratory Services, Illumina above.

Literature cited by the submitters: PubMed 10694921 (cited by 5 submitters); PubMed 27146836 (cited by 4 submitters); PubMed 23590259 (cited by 4 submitters); PubMed 9016526 (cited by Women's Health and Genetics/Laboratory Corporation of America, LabCorp); PubMed 12203992 (cited by Illumina Laboratory Services, Illumina).